The following is an entry in ClinVar:

ClinVar aggregate classification (germline): Uncertain significance (1 of 4 stars; one submission).

Allele frequency attached by ClinVar (database versions not stated): TOPMed below 0.00001.

Submission:

GeneDx
Classification: Uncertain significance. Last evaluated: 2023-03-03. Review status: criteria provided, single submitter. Criteria: GeneDx Variant Classification Process June 2021. Collection method: clinical testing. Allele origin: germline. Affected: yes.
Comment: Not observed at significant frequency in large population cohorts (gnomAD); In silico analysis supports that this variant does not alter splicing; Has not been previously published as pathogenic or benign to our knowledge

NM_004700.4(KCNQ4):c.1292+6G>A

Gene: KCNQ4 (potassium voltage-gated channel subfamily Q member 4; plus strand). Cytogenetic location: 1p34.2.
Variant type: single nucleotide variant.
Coding change: c.1292+6G>A on transcript NM_004700.4 (MANE Select); 6 bases into the intron after coding-DNA position 1292, G replaced by A.
Molecular consequence: intron variant.
Genome position (GRCh38, 1-based): chr1:40,824,264, G>A. VCF-style: chr1-40824264-G-A. GRCh37 (hg19) VCF-style: chr1-41289936-G-A.
Other names: c.1130+1862G>A (NM_172163.3).
Identifiers: ClinVar variation 2578148 (VCV002578148.1), dbSNP rs1648407499, ClinGen allele CA1164547332.